The following is an entry in ClinVar:

ClinVar aggregate classification (germline): Uncertain significance (1 of 4 stars; one submission).

Conditions:
Lethal congenital glycogen storage disease of heart. Also called: PHOSPHORYLASE KINASE DEFICIENCY OF HEART; GLYCOGEN STORAGE DISEASE OF HEART. Identifiers: Orphanet 439854, MedGen C1849813, MONDO:0009867, OMIM 261740.

Submission:

Labcorp Genetics (formerly Invitae), Labcorp
Classification: Uncertain significance for Lethal congenital glycogen storage disease of heart. Last evaluated: 2023-05-05. Review status: criteria provided, single submitter. Criteria: Invitae Variant Classification Sherloc (09022015). Collection method: clinical testing. Allele origin: germline.
Comment: This variant is not present in population databases (gnomAD no frequency). In summary, the available evidence is currently insufficient to determine the role of this variant in disease. Therefore, it has been classified as a Variant of Uncertain Significance. Advanced modeling of protein sequence and biophysical properties (such as structural, functional, and spatial information, amino acid conservation, physicochemical variation, residue mobility, and thermodynamic stability) performed at Invitae indicates that this missense variant is expected to disrupt PRKAG2 protein function. This variant has not been reported in the literature in individuals affected with PRKAG2-related conditions. This sequence change replaces isoleucine, which is neutral and non-polar, with arginine, which is basic and polar, at codon 430 of the PRKAG2 protein (p.Ile430Arg).

NM_016203.4(PRKAG2):c.1289T>G (p.Ile430Arg)

Gene: PRKAG2 (protein kinase AMP-activated non-catalytic subunit gamma 2; minus strand). Cytogenetic location: 7q36.1.
Variant type: single nucleotide variant.
Coding change: c.1289T>G on transcript NM_016203.4 (MANE Select); coding-DNA position 1289, T replaced by G.
Protein change: p.Ile430Arg; replaces isoleucine 430 with arginine.
Molecular consequence: missense variant.
Genome position (GRCh38, 1-based): chr7:151,565,830, A>C on the plus strand (T>G on the coding strand, the complement: PRKAG2 is on the minus strand). VCF-style: chr7-151565830-A-C. GRCh37 (hg19) VCF-style: chr7-151262916-A-C.
Other names: c.1157T>G, p.Ile386Arg (NM_001040633.2, NM_001407024.1); c.914T>G, p.Ile305Arg (NM_001304527.2, NM_001407029.1); c.566T>G, p.Ile189Arg (NM_001304531.2, NM_001407034.1, NM_001407035.1 and 1 more transcripts); c.917T>G, p.Ile306Arg (NM_001363698.2, NM_001407028.1); c.1289T>G, p.Ile430Arg (NM_001407021.1); c.1286T>G, p.Ile429Arg (NM_001407022.1, NM_001407023.1); c.1154T>G, p.Ile385Arg (NM_001407026.1, NM_001407027.1); c.1001T>G, p.Ile334Arg (NM_001407030.1); and 6 more; short protein forms I188R, I189R, I306R, I385R, I386R, I305R, I429R, I430R.
Identifiers: ClinVar variation 2862263 (VCV002862263.3), dbSNP rs2536297089, ClinGen allele CA370071094.
Genomic context (GRCh38, chr7:151,565,830, plus strand): 5'-TTCAAGGCTTTGATGATGGGAGTGTCTGGATGTATGAAGGCAATGTTGTGGTACGTTCCT[A>C]TTCCAAGCTCATCCAGGTTCTGCTTCATGAAGGCAGGCTTTGGCATATCAGACATCTAAA-3'
Protein context (NP_057287.2, residues 420-440): FMKQNLDELG[Ile430Arg]GTYHNIAFIH